The following is an entry in ClinVar:

ClinVar aggregate classification (germline): Likely benign (1 of 4 stars; one submission).

gnomAD v4.1: 3 of 1,613,044 alleles (0.00019%); highest among the groups gnomAD compares: Middle Eastern, 0.017%; no homozygotes.

Submission:

CeGaT Center for Human Genetics Tuebingen
Classification: Likely benign. Last evaluated: 2025-09-01. Review status: criteria provided, single submitter. Criteria: CeGaT Center For Human Genetics Tuebingen Variant Classification Criteria Version 2. Collection method: clinical testing. Allele origin: germline. Affected: yes. Observed: 1 variant allele.
Comment: MYH9: BP4

NM_002473.6(MYH9):c.1855A>G (p.Ile619Val)

Gene: MYH9 (myosin heavy chain 9; minus strand). Cytogenetic location: 22q12.3.
Variant type: single nucleotide variant.
Coding change: c.1855A>G on transcript NM_002473.6 (MANE Select); coding-DNA position 1855, A replaced by G.
Protein change: p.Ile619Val; replaces isoleucine 619 with valine.
Molecular consequence: missense variant.
Genome position (GRCh38, 1-based): chr22:36,306,596, T>C on the plus strand (A>G on the coding strand, the complement: MYH9 is on the minus strand). VCF-style: chr22-36306596-T-C. GRCh37 (hg19) VCF-style: chr22-36702642-T-C.
Other names: short protein forms I619V.
Identifiers: ClinVar variation 4281545 (VCV004281545.7).